The following is an entry in ClinVar:

ClinVar aggregate classification (germline): Likely benign. Review status: criteria provided, multiple submitters, no conflicts (2 of 4 stars). 3 submissions from 3 submitters: Likely benign (2). 1 of the submissions does not count toward it. Last evaluated 2025-12-13.

Conditions:
Propionic acidemia (PROP). Also called: GLYCINEMIA, KETOTIC; HYPERGLYCINEMIA WITH KETOACIDOSIS AND LEUKOPENIA; KETOTIC HYPERGLYCINEMIA. Identifiers: Orphanet 35, MedGen C0268579, MONDO:0011628, OMIM 606054, HP:0003571.
PCCB-related disorder. Also called: PCCB-related condition.

Allele frequency attached by ClinVar (database versions not stated): gnomAD 0.00009; TOPMed 0.00013; 1000 Genomes Project 0.00020; 1000 Genomes Project 30x 0.00031.
gnomAD v4.1: 23 of 1,613,698 alleles (0.0014%); highest among the groups gnomAD compares: African/African-American, 0.025%; no homozygotes.

Submissions (3):

Labcorp Genetics (formerly Invitae), Labcorp
Classification: Likely benign for Propionic acidemia. Last evaluated: 2025-12-13. Review status: criteria provided, single submitter. Criteria: Invitae Variant Classification Sherloc (09022015). Collection method: clinical testing. Allele origin: germline.

Blueprint Genetics
Classification: Likely benign. Last evaluated: 2023-02-20. Review status: criteria provided, single submitter. Criteria: ACMG Guidelines, 2015. Collection method: clinical testing. Allele origin: germline.

PreventionGenetics, part of Exact Sciences
Classification: Likely benign for PCCB-related condition. Last evaluated: 2023-12-06. Review status: no assertion criteria provided. Collection method: clinical testing. Allele origin: germline. Not counted in ClinVar's aggregate classification.
Comment: This variant is classified as likely benign based on ACMG/AMP sequence variant interpretation guidelines (Richards et al. 2015 PMID: 25741868, with internal and published modifications).

NM_000532.5(PCCB):c.885-4A>C

Gene: PCCB (propionyl-CoA carboxylase subunit beta; plus strand). Cytogenetic location: 3q22.3.
Variant type: single nucleotide variant.
Coding change: c.885-4A>C on transcript NM_000532.5 (MANE Select); 4 bases into the intron before coding-DNA position 885, A replaced by C.
Molecular consequence: intron variant.
Genome position (GRCh38, 1-based): chr3:136,301,026, A>C. VCF-style: chr3-136301026-A-C. GRCh37 (hg19) VCF-style: chr3-136019868-A-C.
Other names: c.945-4A>C (NM_001178014.2).
Identifiers: ClinVar variation 743713 (VCV000743713.12), dbSNP rs535943678, ClinGen allele CA2631923.